The following is an entry in ClinVar:

NM_138927.4(SON):c.5930G>A (p.Arg1977His)

Gene: SON (SON DNA and RNA binding protein; plus strand). Cytogenetic location: 21q22.11.
Variant type: single nucleotide variant.
Coding change: c.5930G>A on transcript NM_138927.4 (MANE Select); coding-DNA position 5930, G replaced by A.
Protein change: p.Arg1977His; replaces arginine 1977 with histidine.
Molecular consequence: missense variant. On other transcripts: non-coding transcript variant (1), intron variant (1).
Genome position (GRCh38, 1-based): chr21:33,555,161, G>A. VCF-style: chr21-33555161-G-A. GRCh37 (hg19) VCF-style: chr21-34927467-G-A.
Other names: c.5930G>A, p.Arg1977His (NM_001291411.2, NM_001412133.1, NM_032195.3 and 2 more transcripts); c.245-1995G>A (NM_001291412.3); short protein forms R1977H.
Identifiers: ClinVar variation 2872814 (VCV002872814.3), dbSNP rs1447318603, ClinGen allele CA410165828.

ClinVar aggregate classification (germline): Uncertain significance (1 of 4 stars; one submission).

Allele frequency attached by ClinVar (database versions not stated): gnomAD 0.00001; TOPMed 0.00001.

Submission:

Labcorp Genetics (formerly Invitae), Labcorp
Classification: Uncertain significance. Last evaluated: 2023-12-28. Review status: criteria provided, single submitter. Criteria: Invitae Variant Classification Sherloc (09022015). Collection method: clinical testing. Allele origin: germline.
Comment: This sequence change replaces arginine, which is basic and polar, with histidine, which is basic and polar, at codon 1977 of the SON protein (p.Arg1977His). This variant is not present in population databases (gnomAD no frequency). This variant has not been reported in the literature in individuals affected with SON-related conditions. Experimental studies and prediction algorithms are not available or were not evaluated, and the functional significance of this variant is currently unknown. In summary, the available evidence is currently insufficient to determine the role of this variant in disease. Therefore, it has been classified as a Variant of Uncertain Significance.